The following is an entry in ClinVar:

NM_000540.3(RYR1):c.6204G>T (p.Glu2068Asp)

Gene: RYR1 (ryanodine receptor 1; plus strand). Cytogenetic location: 19q13.2.
Variant type: single nucleotide variant.
Coding change: c.6204G>T on transcript NM_000540.3 (MANE Select); coding-DNA position 6204, G replaced by T.
Protein change: p.Glu2068Asp; replaces glutamic acid 2068 with aspartic acid.
Molecular consequence: missense variant.
Genome position (GRCh38, 1-based): chr19:38,492,566, G>T. VCF-style: chr19-38492566-G-T. GRCh37 (hg19) VCF-style: chr19-38983206-G-T.
Other names: c.6204G>T, p.Glu2068Asp (NM_001042723.2); short protein forms E2068D.
Identifiers: ClinVar variation 1499949 (VCV001499949.13), dbSNP rs2145570603, ClinGen allele CA405662261.

ClinVar aggregate classification (germline): Uncertain significance. Review status: criteria provided, multiple submitters, no conflicts (2 of 4 stars). 3 submissions from 3 submitters: Uncertain significance (3). Last evaluated 2024-09-23.

Conditions:
RYR1-related disorder. Also called: RYR1-related disorders; RYR1-related condition. Identifiers: MedGen CN239331.
Malignant hyperthermia, susceptibility to, 1 (MHS1). Also called: RYR1-Related Malignant Hyperthermia Susceptibility; Malignant hyperthermia suceptibility 1; Anesthesia related hyperthermia; Malignant hyperpyrexia; Fulminating hyperpyrexia; Pharmacogenic myopathy. Identifiers: Orphanet 423, MedGen C2930980, MONDO:0007783, OMIM 145600.

Allele frequency attached by ClinVar (database versions not stated): gnomAD exomes below 0.00001.
gnomAD v4.1: 1 of 1,612,156 alleles (0.000062%); highest among the groups gnomAD compares: Non-Finnish European, 0.000085%; no homozygotes.

Submissions (3):

All of Us Research Program, National Institutes of Health
Classification: Uncertain significance for Malignant hyperthermia, susceptibility to, 1. Last evaluated: 2024-09-23. Review status: criteria provided, single submitter. Criteria: ACMG Guidelines, 2015. Collection method: clinical testing. Allele origin: germline. Inheritance: Autosomal dominant inheritance. Observed: 6 variant alleles, 6 heterozygotes.
Comment: This missense variant replaces glutamic acid with aspartic acid at codon 2068 of the RYR1 protein. Computational prediction suggests that this variant may not impact protein structure and function (internally defined REVEL score threshold <= 0.5, PMID: 27666373). To our knowledge, functional studies have not been reported for this variant. This variant has not been reported in individuals affected with RYR1-related disorders in the literature. This variant has not been identified in the general population by the Genome Aggregation Database (gnomAD). The available evidence is insufficient to determine the role of this variant in disease conclusively. Therefore, this variant is classified as a Variant of Uncertain Significance.

This study involves interpretation of variants in research participants for the purpose of population health screening. Participant phenotype was not available at the time of variant classification. Additional details can be found in publication PMID: 35346344, PMCID: PMC8962531

Labcorp Genetics (formerly Invitae), Labcorp
Classification: Uncertain significance for RYR1-related disorder. Last evaluated: 2024-01-19. Review status: criteria provided, single submitter. Criteria: Invitae Variant Classification Sherloc (09022015). Collection method: clinical testing. Allele origin: germline.
Comment: This sequence change replaces glutamic acid, which is acidic and polar, with aspartic acid, which is acidic and polar, at codon 2068 of the RYR1 protein (p.Glu2068Asp). This variant is not present in population databases (gnomAD no frequency). This variant has not been reported in the literature in individuals affected with RYR1-related conditions. ClinVar contains an entry for this variant (Variation ID: 1499949). Advanced modeling of protein sequence and biophysical properties (such as structural, functional, and spatial information, amino acid conservation, physicochemical variation, residue mobility, and thermodynamic stability) performed at Invitae indicates that this missense variant is not expected to disrupt RYR1 protein function with a negative predictive value of 95%. In summary, the available evidence is currently insufficient to determine the role of this variant in disease. Therefore, it has been classified as a Variant of Uncertain Significance.

Revvity Omics, Revvity
Classification: Uncertain significance. Last evaluated: 2021-05-18. Review status: criteria provided, single submitter. Criteria: ACMG Guidelines, 2015. Collection method: clinical testing. Allele origin: germline.